The following is an entry in ClinVar:

NM_030631.4(SLC25A21):c.308A>G (p.Tyr103Cys)

Gene: SLC25A21 (solute carrier family 25 member 21; minus strand). Cytogenetic location: 14q13.3.
Variant type: single nucleotide variant.
Coding change: c.308A>G on transcript NM_030631.4 (MANE Select); coding-DNA position 308, A replaced by G.
Protein change: p.Tyr103Cys; replaces tyrosine 103 with cysteine.
Molecular consequence: missense variant.
Genome position (GRCh38, 1-based): chr14:36,729,529, T>C on the plus strand (A>G on the coding strand, the complement: SLC25A21 is on the minus strand). VCF-style: chr14-36729529-T-C. GRCh37 (hg19) VCF-style: chr14-37198734-T-C.
Other names: c.308A>G, p.Tyr103Cys (NM_001171170.2); short protein forms Y103C.
Identifiers: ClinVar variation 2617134 (VCV002617134.4), dbSNP rs753300957, ClinGen allele CA7159349.

ClinVar aggregate classification (germline): Uncertain significance. Review status: criteria provided, multiple submitters, no conflicts (2 of 4 stars). 2 submissions from 2 submitters: Uncertain significance (2). Last evaluated 2025-01-20.

Allele frequency attached by ClinVar (database versions not stated): gnomAD exomes below 0.00001; ExAC 0.00001; gnomAD 0.00001; TOPMed 0.00003.
gnomAD v4.1: 4 of 1,609,252 alleles (0.00025%); highest among the groups gnomAD compares: African/African-American, 0.004%; no homozygotes.

Submissions (2):

Labcorp Genetics (formerly Invitae), Labcorp
Classification: Uncertain significance. Last evaluated: 2025-01-20. Review status: criteria provided, single submitter. Criteria: Invitae Variant Classification Sherloc (09022015). Collection method: clinical testing. Allele origin: germline.
Comment: This sequence change replaces tyrosine, which is neutral and polar, with cysteine, which is neutral and slightly polar, at codon 103 of the SLC25A21 protein (p.Tyr103Cys). This variant is present in population databases (rs753300957, gnomAD 0.008%). This variant has not been reported in the literature in individuals affected with SLC25A21-related conditions. ClinVar contains an entry for this variant (Variation ID: 2617134). Invitae Evidence Modeling of protein sequence and biophysical properties (such as structural, functional, and spatial information, amino acid conservation, physicochemical variation, residue mobility, and thermodynamic stability) indicates that this missense variant is not expected to disrupt SLC25A21 protein function with a negative predictive value of 80%. In summary, the available evidence is currently insufficient to determine the role of this variant in disease. Therefore, it has been classified as a Variant of Uncertain Significance.

Ambry Genetics
Classification: Uncertain significance. Last evaluated: 2023-08-08. Review status: criteria provided, single submitter. Criteria: Ambry Variant Classification Scheme 2023. Collection method: clinical testing. Allele origin: germline.